The following is an entry in ClinVar:

NM_000548.5(TSC2):c.5343A>G (p.Pro1781=)

Gene: TSC2 (TSC complex subunit 2; plus strand). Cytogenetic location: 16p13.3.
Variant type: single nucleotide variant.
Coding change: c.5343A>G on transcript NM_000548.5 (MANE Select); coding-DNA position 5343, A replaced by G.
Protein change: p.Pro1781=; no amino-acid change (proline 1781 retained).
Molecular consequence: synonymous variant.
Genome position (GRCh38, 1-based): chr16:2,088,529, A>G. VCF-style: chr16-2088529-A-G. GRCh37 (hg19) VCF-style: chr16-2138530-A-G.
Other names: c.5343A>G (NM_000548.4); c.5142A>G, p.Pro1714= (NM_001077183.3); c.5274A>G, p.Pro1758= (NM_001114382.3); c.5034A>G, p.Pro1678= (NM_001318827.2); c.4998A>G, p.Pro1666= (NM_001318829.2); c.4611A>G, p.Pro1537= (NM_001318831.2); c.5175A>G, p.Pro1725= (NM_001318832.2); c.5145A>G, p.Pro1715= (NM_001363528.2); and 3 more.
Identifiers: ClinVar variation 468162 (VCV000468162.15), dbSNP rs747614356, ClinGen allele CA055170.

ClinVar aggregate classification (germline): Benign/Likely benign. Review status: criteria provided, multiple submitters, no conflicts (2 of 4 stars). 4 submissions from 4 submitters: Benign (1); Likely benign (3). Last evaluated 2025-07-29.

Conditions:
Hereditary cancer-predisposing syndrome. Also called: Hereditary neoplastic syndrome; Neoplastic Syndromes, Hereditary; Tumor predisposition; Hereditary Cancer Syndrome. Identifiers: Orphanet 140162, MedGen C0027672, MeSH D009386, MONDO:0015356.
Tuberous sclerosis 2 (TSC2). Identifiers: Orphanet 805, MedGen C1860707, MONDO:0013199, OMIM 613254.

Allele frequency attached by ClinVar (database versions not stated): gnomAD exomes below 0.00001 and 0.00001; ExAC 0.00003.

Submissions (4):

Labcorp Genetics (formerly Invitae), Labcorp
Classification: Likely benign for Tuberous sclerosis 2. Last evaluated: 2025-07-29. Review status: criteria provided, single submitter. Criteria: Invitae Variant Classification Sherloc (09022015). Collection method: clinical testing. Allele origin: germline.

Myriad Genetics, Inc.
Classification: Benign for Tuberous sclerosis 2. Last evaluated: 2025-06-09. Review status: criteria provided, single submitter. Criteria: Myriad Autosomal Dominant, Autosomal Recessive and X-Linked Classification Criteria (2023). Collection method: clinical testing. Allele origin: unknown.
Comment: This variant is considered benign. This variant is a silent/synonymous amino acid change and it is not expected to impact splicing.

Women's Health and Genetics/Laboratory Corporation of America, LabCorp
Classification: Likely benign. Last evaluated: 2023-08-13. Review status: criteria provided, single submitter. Criteria: LabCorp Variant Classification Summary - May 2015. Collection method: clinical testing. Allele origin: germline.

Ambry Genetics
Classification: Likely benign for Hereditary cancer-predisposing syndrome. Last evaluated: 2022-06-20. Review status: criteria provided, single submitter. Criteria: Ambry Variant Classification Scheme 2023. Collection method: clinical testing. Allele origin: germline.